The following is an entry in ClinVar:

NM_002693.3(POLG):c.265G>C (p.Gly89Arg)

Genes: POLG (DNA polymerase gamma, catalytic subunit; minus strand), POLGARF (POLG alternative reading frame; minus strand). Cytogenetic location: 15q26.1.
Variant type: single nucleotide variant.
Coding change: c.265G>C on transcript NM_002693.3 (MANE Select); coding-DNA position 265, G replaced by C.
Protein change: p.Gly89Arg; replaces glycine 89 with arginine.
Molecular consequence: missense variant.
Genome position (GRCh38, 1-based): chr15:89,333,490, C>G on the plus strand (G>C on the coding strand, the complement: POLG is on the minus strand). VCF-style: chr15-89333490-C-G. GRCh37 (hg19) VCF-style: chr15-89876721-C-G.
Other names: c.320G>C, p.Arg107Pro (NM_001430120.1); c.265G>C, p.Gly89Arg (NM_001126131.2); short protein forms R107P, G89R.
Identifiers: ClinVar variation 5008388 (VCV005008388.1).

ClinVar aggregate classification (germline): Uncertain significance (1 of 4 stars; one submission).

gnomAD v4.1: 4 of 1,612,650 alleles (0.00025%); highest among the groups gnomAD compares: Non-Finnish European, 0.00034%; no homozygotes.

Submission:

GeneDx
Classification: Uncertain significance. Last evaluated: 2026-03-06. Review status: criteria provided, single submitter. Criteria: GeneDx Variant Classification Process June 2021. Collection method: clinical testing. Allele origin: germline.
Comment: Not observed at significant frequency in large population cohorts (gnomAD); In silico analysis suggests that this missense variant does not alter protein structure/function; Has not been previously published as pathogenic or benign to our knowledge